The following is an entry in ClinVar:

ClinVar aggregate classification (germline): Uncertain significance. Review status: criteria provided, multiple submitters, no conflicts (2 of 4 stars). 2 submissions from 2 submitters: Uncertain significance (2). Last evaluated 2025-06-22.

Conditions:
KIF23-related disorder. Also called: KIF23-related condition.

gnomAD v4.1: 50 of 1,613,902 alleles (0.0031%); highest among the groups gnomAD compares: East Asian, 0.0067%; no homozygotes.

Submissions (2):

Labcorp Genetics (formerly Invitae), Labcorp
Classification: Uncertain significance. Last evaluated: 2025-06-22. Review status: criteria provided, single submitter. Criteria: Invitae Variant Classification Sherloc (09022015). Collection method: clinical testing. Allele origin: germline.
Comment: This sequence change replaces arginine, which is basic and polar, with histidine, which is basic and polar, at codon 134 of the KIF23 protein (p.Arg134His). This variant is present in population databases (rs372849416, gnomAD 0.005%). This variant has not been reported in the literature in individuals affected with KIF23-related conditions. ClinVar contains an entry for this variant (Variation ID: 3703394). Invitae Evidence Modeling of protein sequence and biophysical properties (such as structural, functional, and spatial information, amino acid conservation, physicochemical variation, residue mobility, and thermodynamic stability) indicates that this missense variant is expected to disrupt KIF23 protein function with a positive predictive value of 80%. In summary, the available evidence is currently insufficient to determine the role of this variant in disease. Therefore, it has been classified as a Variant of Uncertain Significance.

PreventionGenetics, part of Exact Sciences
Classification: Uncertain significance for KIF23-related condition. Last evaluated: 2024-12-06. Review status: criteria provided, single submitter. Criteria: ACMG Guidelines, 2015. Collection method: clinical testing. Allele origin: germline.
Comment: The KIF23 c.401G>A variant is predicted to result in the amino acid substitution p.Arg134His. To our knowledge, this variant has not been reported in the literature. This variant is reported in 0.010% of alleles in individuals of East Asian descent in gnomAD. At this time, the clinical significance of this variant is uncertain due to the absence of conclusive functional and genetic evidence.

NM_001367805.3(KIF23):c.401G>A (p.Arg134His)

Gene: KIF23 (kinesin family member 23; plus strand). Cytogenetic location: 15q23.
Variant type: single nucleotide variant.
Coding change: c.401G>A on transcript NM_001367805.3 (MANE Select); coding-DNA position 401, G replaced by A.
Protein change: p.Arg134His; replaces arginine 134 with histidine.
Molecular consequence: missense variant. On other transcripts: non-coding transcript variant (2), intron variant (1).
Genome position (GRCh38, 1-based): chr15:69,422,076, G>A. VCF-style: chr15-69422076-G-A. GRCh37 (hg19) VCF-style: chr15-69714415-G-A.
Other names: c.401G>A, p.Arg134His (NM_001367804.2, NM_004856.7, NM_138555.4); c.124-250G>A (NM_001281301.2); c.401G>A (NM_138555.3); short protein forms R134H.
Identifiers: ClinVar variation 3703394 (VCV003703394.3).